The following is an entry in ClinVar:

NM_000093.5(COL5A1):c.50CCCCGCTGCTGC[3] (p.Pro21_Leu24dup)

Gene: COL5A1 (collagen type V alpha 1 chain; plus strand). Cytogenetic location: 9q34.3.
Variant type: Microsatellite.
Coding change: c.50CCCCGCTGCTGC[3] on transcript NM_000093.5 (MANE Select); three copies in a row of the 12-base unit CCCCGCTGCTGC starting at c.50; the reference has two copies in a row; one copy, 12 bases duplicated.
Protein change: p.Pro21_Leu24dup.
Molecular consequence: inframe insertion.
Genome position (GRCh38, 1-based): chr9:134,642,249-134,642,260, CCCCGCTGCTGC duplicated; duplicating any 12 consecutive bases within chr9:134,642,237-134,642,260 gives the same sequence; the position shown is the placement nearest the transcript's 3' end. VCF-style (leftmost placement, unchanged base first): chr9-134642236-G-GCCCCGCTGCTGC. GRCh37 (hg19) VCF-style: chr9-137534082-G-GCCCCGCTGCTGC.
Other names: c.50CCCCGCTGCTGC[3], p.Pro21_Leu24dup (NM_001278074.1); c.62_73dup12 (NM_000093.5).
Identifiers: ClinVar variation 1386438 (VCV001386438.8), dbSNP rs1444295577, ClinGen allele CA591101788.

ClinVar aggregate classification (germline): Uncertain significance. Review status: criteria provided, multiple submitters, no conflicts (2 of 4 stars). 2 submissions from 2 submitters: Uncertain significance (2). Last evaluated 2026-03-06.

Conditions:
Ehlers-Danlos syndrome, classic type, 1 (EDSCL1). Also called: EHLERS-DANLOS SYNDROME, GRAVIS TYPE; EHLERS-DANLOS SYNDROME, SEVERE CLASSIC TYPE; Ehlers-Danlos syndrome, type 1; Ehlers-Danlos Syndrome, Classic Type, COL5A1-Related; EDS I. Identifiers: MedGen C0268335, MONDO:0019567, OMIM 130000.

Submissions (2):

Women's Health and Genetics/Laboratory Corporation of America, LabCorp
Classification: Uncertain significance. Last evaluated: 2026-03-06. Review status: criteria provided, single submitter. Criteria: LabCorp Variant Classification Summary - May 2015. Collection method: clinical testing. Allele origin: germline.
Comment: Variant summary: COL5A1 c.62_73dup12 (p.Pro21_Leu24dup) results in an in-frame duplication that is predicted to duplicate four amino acids into the encoded protein. The variant allele was found at a frequency of 3.4e-05 in 28986 control chromosomes (gnomAD). The available data on variant occurrences in the general population are insufficient to allow any conclusion about variant significance. To our knowledge, no occurrence of c.62_73dup12 in individuals affected with COL5A1-related conditions and no experimental evidence demonstrating its impact on protein function have been reported. ClinVar contains an entry for this variant (Variation ID: 1386438). Based on the evidence outlined above, the variant was classified as uncertain significance.

Labcorp Genetics (formerly Invitae), Labcorp
Classification: Uncertain significance for Ehlers-Danlos syndrome, classic type, 1. Last evaluated: 2024-06-08. Review status: criteria provided, single submitter. Criteria: Invitae Variant Classification Sherloc (09022015). Collection method: clinical testing. Allele origin: germline.
Comment: This variant, c.62_73dup, results in the insertion of 4 amino acid(s) of the COL5A1 protein (p.Pro21_Leu24dup), but otherwise preserves the integrity of the reading frame. This variant is present in population databases (no rsID available, gnomAD 0.01%). This variant has not been reported in the literature in individuals affected with COL5A1-related conditions. Experimental studies and prediction algorithms are not available or were not evaluated, and the functional significance of this variant is currently unknown. In summary, the available evidence is currently insufficient to determine the role of this variant in disease. Therefore, it has been classified as a Variant of Uncertain Significance.